The following is an entry in ClinVar:

ClinVar aggregate classification (germline): Pathogenic (1 of 4 stars; one submission).

Conditions:
Cobalamin C disease. Also called: methylmalonic aciduria and homocystinuria type cblC; Methylmalonic aciduria with homocystinuria cblC type; Cobalamin-C methylmalonic acidemia and homocystinuria; Methylmalonic acidemia and homocystinuria cblC type; Methylmalonic aciduria and homocystinuria, Vitamin B12-responsive; Vitamin B12 metabolic defect with combined deficiency of methylmalonyl-CoA mutase and homocysteine:methyltetrahydrofolate methyltransferase. Identifiers: Orphanet 26, Orphanet 79282, MedGen C1848561, MONDO:0010184, OMIM 277400.

Submission:

Women's Health and Genetics/Laboratory Corporation of America, LabCorp
Classification: Pathogenic for Cobalamin C disease. Last evaluated: 2025-07-14. Review status: criteria provided, single submitter. Criteria: LabCorp Variant Classification Summary - May 2015. Collection method: clinical testing. Allele origin: germline.
Comment: Variant summary: ABCD4 c.529C>T (p.Gln177X) results in a premature termination codon, predicted to cause absence of the protein due to nonsense mediated decay, which is a commonly known mechanism for disease. The variant was absent in 251434 control chromosomes. To our knowledge, no occurrence of c.529C>T in individuals affected with Methylmalonic Acidemia With Homocystinuria and no experimental evidence demonstrating its impact on protein function have been reported. No submitters have cited clinical-significance assessments for this variant to ClinVar. Based on the evidence outlined above, the variant was classified as pathogenic.

NM_005050.4(ABCD4):c.529C>T (p.Gln177Ter)

Gene: ABCD4 (ATP binding cassette subfamily D member 4; minus strand). Cytogenetic location: 14q24.3.
Variant type: single nucleotide variant.
Coding change: c.529C>T on transcript NM_005050.4 (MANE Select); coding-DNA position 529, C replaced by T.
Protein change: p.Gln177Ter; replaces glutamine 177 with a stop codon.
Molecular consequence: nonsense. On other transcripts: synonymous variant (4), non-coding transcript variant (10), 5 prime UTR variant (9).
Genome position (GRCh38, 1-based): chr14:74,296,346, G>A on the plus strand (C>T on the coding strand, the complement: ABCD4 is on the minus strand). VCF-style: chr14-74296346-G-A. GRCh37 (hg19) VCF-style: chr14-74763049-G-A.
Other names: c.529C>T, p.Gln177Ter (NM_001440752.1, NM_001440753.1, NM_020325.3 and 2 more transcripts); c.261C>T, p.Thr87= (NM_001440754.1); c.52C>T, p.Gln18Ter (NM_001440755.1, NM_020324.3, NM_001353598.2 and 3 more transcripts); c.268C>T, p.Gln90Ter (NM_001353593.2, NM_001353594.2); c.120C>T, p.Thr40= (NM_001353595.2, NM_001353596.2, NM_001353597.2); c.-161C>T (NM_001353602.2, NM_001353608.2); c.-166C>T (NM_001353603.2, NM_001353604.2, NM_001353605.2 and 4 more transcripts); short protein forms Q177*, Q90*, Q18*.
Identifiers: ClinVar variation 4525942 (VCV004525942.1).